The following is an entry in ClinVar:

NM_001081.4(CUBN):c.1837G>C (p.Gly613Arg)

Gene: CUBN (cubilin; minus strand). Cytogenetic location: 10p13.
Variant type: single nucleotide variant.
Coding change: c.1837G>C on transcript NM_001081.4 (MANE Select); coding-DNA position 1837, G replaced by C.
Protein change: p.Gly613Arg; replaces glycine 613 with arginine.
Molecular consequence: missense variant.
Genome position (GRCh38, 1-based): chr10:17,088,274, C>G on the plus strand (G>C on the coding strand, the complement: CUBN is on the minus strand). VCF-style: chr10-17088274-C-G. GRCh37 (hg19) VCF-style: chr10-17130273-C-G.
Other names: short protein forms G613R.
Identifiers: ClinVar variation 1449996 (VCV001449996.6), dbSNP rs2131869531, ClinGen allele CA376152503.

ClinVar aggregate classification (germline): Uncertain significance. Review status: criteria provided, multiple submitters, no conflicts (2 of 4 stars). 2 submissions from 2 submitters: Uncertain significance (2). Last evaluated 2021-11-11.

Conditions:
Proteinuria, chronic benign. Identifiers: MedGen C5394384, MONDO:0030042, OMIM 618884.
Imerslund-Grasbeck syndrome type 1 (IGS1). Also called: Imerslund-Gräsbeck syndrome 1; Megaloblastic anemia 1, Finnish type; MEGALOBLASTIC ANEMIA, 1. Identifiers: MedGen C4016819, MONDO:0100156, OMIM 261100.
Imerslund-Grasbeck syndrome. Also called: PERNICIOUS ANEMIA, JUVENILE, DUE TO SELECTIVE INTESTINAL MALABSORPTION OF VITAMIN B12, WITH PROTEINURIA; Megaloblastic anemia due to inborn errors of metabolism; ENTEROCYTE COBALAMIN MALABSORPTION; ENTEROCYTE INTRINSIC FACTOR RECEPTOR, DEFECT OF; Imerslund-Gräsbeck syndrome. Identifiers: Orphanet 35858, MedGen C4551825, MONDO:0009853.

Submissions (2):

Fulgent Genetics
Classification: Uncertain significance for Imerslund-Grasbeck syndrome type 1; Proteinuria, chronic benign. Last evaluated: 2021-11-11. Review status: criteria provided, single submitter. Criteria: ACMG Guidelines, 2015. Collection method: clinical testing. Allele origin: unknown.

Labcorp Genetics (formerly Invitae), Labcorp
Classification: Uncertain significance for Imerslund-Grasbeck syndrome. Last evaluated: 2021-09-29. Review status: criteria provided, single submitter. Criteria: Invitae Variant Classification Sherloc (09022015). Collection method: clinical testing. Allele origin: germline.
Comment: This sequence change replaces glycine with arginine at codon 613 of the CUBN protein (p.Gly613Arg). The glycine residue is weakly conserved and there is a moderate physicochemical difference between glycine and arginine. This variant is not present in population databases (ExAC no frequency). This variant has not been reported in the literature in individuals with CUBN-related conditions. Algorithms developed to predict the effect of missense changes on protein structure and function are either unavailable or do not agree on the potential impact of this missense change (SIFT: "Tolerated"; PolyPhen-2: "Probably Damaging"; Align-GVGD: "Class C0"). In summary, the available evidence is currently insufficient to determine the role of this variant in disease. Therefore, it has been classified as a Variant of Uncertain Significance.